The following is an entry in ClinVar:

ClinVar aggregate classification (germline): Likely benign. Review status: criteria provided, single submitter (1 of 4 stars). 2 submissions from 2 submitters: Likely benign (1). 1 of the submissions does not count toward it. Last evaluated 2024-03-04.

Conditions:
Inborn genetic diseases. Identifiers: MedGen C0950123, MeSH D030342.

Allele frequency attached by ClinVar (database versions not stated): ExAC 0.00001; gnomAD 0.00001; gnomAD exomes 0.00001 and 0.00003; TOPMed 0.00003.
gnomAD v4.1: 11 of 1,204,729 alleles (0.00091%); highest among the groups gnomAD compares: East Asian, 0.0059%; no homozygotes.

Submissions (2):

Ambry Genetics
Classification: Likely benign for Inborn genetic diseases. Last evaluated: 2024-03-04. Review status: criteria provided, single submitter. Criteria: Ambry Variant Classification Scheme 2023. Collection method: clinical testing. Allele origin: germline.

ITMI
No classification provided. Condition: AllHighlyPenetrant. Last evaluated: 2013-09-19. Review status: no classification provided. Collection method: reference population. Allele origin: germline. Not counted in ClinVar's aggregate classification.
Comment: Please see associated publication for description of ethnicities

Literature cited by the submitters: PubMed 24728327 (cited by ITMI).

NM_152424.4(AMER1):c.835A>G (p.Ser279Gly)

Gene: AMER1 (APC membrane recruitment protein 1; minus strand). Cytogenetic location: Xq11.2.
Variant type: single nucleotide variant.
Coding change: c.835A>G on transcript NM_152424.4 (MANE Select); coding-DNA position 835, A replaced by G.
Protein change: p.Ser279Gly; replaces serine 279 with glycine.
Molecular consequence: missense variant.
Genome position (GRCh38, 1-based): chrX:64,192,452, T>C on the plus strand (A>G on the coding strand, the complement: AMER1 is on the minus strand). VCF-style: chrX-64192452-T-C. GRCh37 (hg19) VCF-style: chrX-63412332-T-C.
Other names: c.835A>G (NM_152424.3); short protein forms S279G.
Identifiers: ClinVar variation 133491 (VCV000133491.2), dbSNP rs587778024, ClinGen allele CA156684.